The following is an entry in ClinVar:

NM_002691.4(POLD1):c.883_884delinsACCC (p.Val295fs)

Gene: POLD1 (DNA polymerase delta 1, catalytic subunit; plus strand). Cytogenetic location: 19q13.33.
Variant type: Indel.
Coding change: c.883_884delinsACCC on transcript NM_002691.4 (MANE Select); coding-DNA positions 883 to 884, GT replaced by ACCC.
Protein change: p.Val295fs; shifts the reading frame from valine 295.
Molecular consequence: frameshift variant. On other transcripts: non-coding transcript variant (1).
Genome position (GRCh38, 1-based): chr19:50,402,654-50,402,655, GT replaced by ACCC. VCF-style: chr19-50402654-GT-ACCC. GRCh37 (hg19) VCF-style: chr19-50905911-GT-ACCC.
Other names: c.883_884delinsACCC, p.Val295fs (NM_001256849.1, NM_001308632.1, NM_001438210.1 and 3 more transcripts); short protein forms V295fs.
Identifiers: ClinVar variation 4141032 (VCV004141032.1).

ClinVar aggregate classification (germline): Uncertain significance (1 of 4 stars; one submission).

Conditions:
Hereditary cancer-predisposing syndrome. Also called: Hereditary neoplastic syndrome; Neoplastic Syndromes, Hereditary; Tumor predisposition; Hereditary Cancer Syndrome. Identifiers: Orphanet 140162, MedGen C0027672, MeSH D009386, MONDO:0015356.

Submission:

Ambry Genetics
Classification: Uncertain significance for Hereditary cancer-predisposing syndrome. Last evaluated: 2025-09-08. Review status: criteria provided, single submitter. Criteria: Ambry Variant Classification Scheme 2023. Collection method: clinical testing. Allele origin: germline.
Comment: The c.883_884delGTinsACCC variant, located in coding exon 7 of the POLD1 gene, results from the deletion of two nucleotides and insertion of 4 nucleotides causing a translational frameshift with a predicted alternate stop codon (p.V295Tfs*99). This alteration is expected to result in loss of function by premature protein truncation or nonsense-mediated mRNA decay. However, loss of function has not been established as a mechanism of disease. Based on the available evidence, the clinical significance of this alteration remains unclear.